The following is an entry in ClinVar:

ClinVar aggregate classification (germline): Uncertain significance (1 of 4 stars; one submission).

Submission:

Labcorp Genetics (formerly Invitae), Labcorp
Classification: Uncertain significance. Last evaluated: 2024-05-13. Review status: criteria provided, single submitter. Criteria: Invitae Variant Classification Sherloc (09022015). Collection method: clinical testing. Allele origin: germline.
Comment: This variant, c.1279_1281del, results in the deletion of 1 amino acid(s) of the ZIC1 protein (p.Ser427del), but otherwise preserves the integrity of the reading frame. This variant is present in population databases (rs770195089, gnomAD 0.02%). This variant has not been reported in the literature in individuals affected with ZIC1-related conditions. Experimental studies and prediction algorithms are not available or were not evaluated, and the functional significance of this variant is currently unknown. In summary, the available evidence is currently insufficient to determine the role of this variant in disease. Therefore, it has been classified as a Variant of Uncertain Significance.

NM_003412.4(ZIC1):c.1273TCC[2] (p.Ser427del)

Gene: ZIC1 (Zic family zinc finger 1; plus strand). Cytogenetic location: 3q24.
Variant type: Microsatellite.
Coding change: c.1273TCC[2] on transcript NM_003412.4 (MANE Select); two copies in a row of the 3-base unit TCC starting at c.1273; the reference has three copies in a row; one copy, 3 bases deleted.
Protein change: p.Ser427del; deletes serine 427.
Molecular consequence: inframe deletion.
Genome position (GRCh38, 1-based): chr3:147,413,486-147,413,488, TCC deleted; deleting any 3 consecutive bases within chr3:147,413,478-147,413,488 gives the same sequence; the position shown is the placement nearest the transcript's 3' end. VCF-style (leftmost placement, unchanged base first): chr3-147413477-CCCT-C. GRCh37 (hg19) VCF-style: chr3-147131264-CCCT-C.
Other names: short protein forms S427del.
Identifiers: ClinVar variation 2722599 (VCV002722599.3), dbSNP rs770195089, ClinGen allele CA2657228.